The following is an entry in ClinVar:

NM_021098.3(CACNA1H):c.6971T>G (p.Leu2324Arg)

Gene: CACNA1H (calcium voltage-gated channel subunit alpha1 H; plus strand). Cytogenetic location: 16p13.3.
Variant type: single nucleotide variant.
Coding change: c.6971T>G on transcript NM_021098.3 (MANE Select); coding-DNA position 6971, T replaced by G.
Protein change: p.Leu2324Arg; replaces leucine 2324 with arginine.
Molecular consequence: missense variant.
Genome position (GRCh38, 1-based): chr16:1,220,903, T>G. VCF-style: chr16-1220903-T-G. GRCh37 (hg19) VCF-style: chr16-1270903-T-G.
Other names: c.6953T>G, p.Leu2318Arg (NM_001005407.2); short protein forms L2324R, L2318R.
Identifiers: ClinVar variation 1367532 (VCV001367532.8), dbSNP rs1596482455, ClinGen allele CA394151494.

ClinVar aggregate classification (germline): Uncertain significance (1 of 4 stars; one submission).

Conditions:
Hyperaldosteronism, familial, type IV (HALD4). Also called: FH IV; ALDOSTERONISM, PRIMARY, AND HYPERTENSION. Identifiers: Orphanet 642671, MedGen C4310756, MONDO:0014875, OMIM 617027.
Idiopathic generalized epilepsy. Also called: Generalised epilepsy; EIG. Identifiers: MedGen C0270850, MONDO:0005579, OMIM 600669.

Submission:

Labcorp Genetics (formerly Invitae), Labcorp
Classification: Uncertain significance for Idiopathic generalized epilepsy; Hyperaldosteronism, familial, type IV. Last evaluated: 2021-07-26. Review status: criteria provided, single submitter. Criteria: Invitae Variant Classification Sherloc (09022015). Collection method: clinical testing. Allele origin: germline.
Comment: In summary, the available evidence is currently insufficient to determine the role of this variant in disease. Therefore, it has been classified as a Variant of Uncertain Significance. Algorithms developed to predict the effect of sequence changes on RNA splicing suggest that this variant may create or strengthen a splice site. Advanced modeling of protein sequence and biophysical properties (such as structural, functional, and spatial information, amino acid conservation, physicochemical variation, residue mobility, and thermodynamic stability) performed at Invitae indicates that this missense variant is not expected to disrupt CACNA1H protein function. This variant has not been reported in the literature in individuals affected with CACNA1H-related conditions. This variant is not present in population databases (ExAC no frequency). This sequence change replaces leucine with arginine at codon 2324 of the CACNA1H protein (p.Leu2324Arg). The leucine residue is weakly conserved and there is a moderate physicochemical difference between leucine and arginine.